The following is an entry in ClinVar:

ClinVar aggregate classification (germline): Pathogenic. Review status: criteria provided, multiple submitters, no conflicts (2 of 4 stars). 2 submissions from 2 submitters: Pathogenic (2). Last evaluated 2025-08-28.

Conditions:
Alstrom syndrome (ALMS). Identifiers: Orphanet 64, MedGen C0268425, MONDO:0008763, OMIM 203800.

Allele frequency attached by ClinVar (database versions not stated): TOPMed below 0.00001.

Submissions (2):

Natera, Inc.
Classification: Pathogenic for Alstrom syndrome. Last evaluated: 2025-08-28. Review status: criteria provided, single submitter. Criteria: Natera Variant Classification Schema (03/2026). Collection method: clinical testing. Allele origin: germline.
Comment: The c.3469C>T variant in ALMS1 is a nonsense variant predicted to introduce a stop codon at amino acid 1157. This variant is expected to result in nonsense mediated decay, truncation, or a dysfunctional protein product. This variant is rare in the general population with a frequency below the threshold expected for the associated phenotype(s). This variant has been observed in one or more individuals affected with the associated recessive disease, as either homozygous or compound heterozygous with a second variant (PMID: 31755649). Given the available evidence, this variant is classified as Pathogenic.

Labcorp Genetics (formerly Invitae), Labcorp
Classification: Pathogenic for Alstrom syndrome. Last evaluated: 2024-02-20. Review status: criteria provided, single submitter. Criteria: Invitae Variant Classification Sherloc (09022015). Collection method: clinical testing. Allele origin: germline.
Comment: This sequence change creates a premature translational stop signal (p.Gln1157*) in the ALMS1 gene. It is expected to result in an absent or disrupted protein product. Loss-of-function variants in ALMS1 are known to be pathogenic (PMID: 17594715). This variant is not present in population databases (gnomAD no frequency). This variant has not been reported in the literature in individuals affected with ALMS1-related conditions. For these reasons, this variant has been classified as Pathogenic.

Literature cited by the submitters: PubMed 31755649 (cited by Natera, Inc.); PubMed 17594715 (cited by Labcorp Genetics (formerly Invitae), Labcorp).

NM_001378454.1(ALMS1):c.3466C>T (p.Gln1156Ter)

Gene: ALMS1 (ALMS1 centrosome and basal body associated protein; plus strand). Cytogenetic location: 2p13.1.
Variant type: single nucleotide variant.
Coding change: c.3466C>T on transcript NM_001378454.1 (MANE Select); coding-DNA position 3466, C replaced by T.
Protein change: p.Gln1156Ter; replaces glutamine 1156 with a stop codon.
Molecular consequence: nonsense.
Genome position (GRCh38, 1-based): chr2:73,449,993, C>T. VCF-style: chr2-73449993-C-T. GRCh37 (hg19) VCF-style: chr2-73677120-C-T.
Other names: c.3469C>T, p.Gln1157Ter (NM_015120.4); short protein forms Q1156*, Q1157*.
Identifiers: ClinVar variation 2724763 (VCV002724763.5), dbSNP rs975308906, ClinGen allele CA50392561.